The following is an entry in ClinVar:

ClinVar aggregate classification (germline): Pathogenic (1 of 4 stars; one submission).

Conditions:
Bardet-Biedl syndrome (BBS). Identifiers: Orphanet 110, MedGen C0752166, MONDO:0015229.

Allele frequency attached by ClinVar (database versions not stated): gnomAD exomes below 0.00001.
gnomAD v4.1: 6 of 1,610,988 alleles (0.00037%); highest among the groups gnomAD compares: Non-Finnish European, 0.00051%; no homozygotes.

Submission:

Laboratory of Medical Genetics (UMR_S 1112), INSERM/Strasbourg University
Classification: Pathogenic for Bardet-Biedl syndrome. Last evaluated: 2020-04-15. Review status: criteria provided, single submitter. Criteria: ACMG Guidelines, 2015. Collection method: clinical testing. Allele origin: inherited. Inheritance: Autosomal recessive inheritance. Affected: yes. Observed: 1 variant allele.
Comment: absent from gnomAD and 1000genomes, position 339 is buried in the apical domain within the chaperonin type II superfamily topology at a relatively conserved position accepting only hydrophobic residues (mostly Valine, Leucine and Isoleucine). The Grantham distance is as expected high (152) when comparing a Valine (hydrophobic) to an Aspartic acid (Acidic).

Literature cited by the submitters: PubMed 32361989.

NM_024685.4(BBS10):c.1016T>A (p.Val339Asp)

Gene: BBS10 (Bardet-Biedl syndrome 10; minus strand). Cytogenetic location: 12q21.2.
Variant type: single nucleotide variant.
Coding change: c.1016T>A on transcript NM_024685.4 (MANE Select); coding-DNA position 1016, T replaced by A.
Protein change: p.Val339Asp; replaces valine 339 with aspartic acid.
Molecular consequence: missense variant.
Genome position (GRCh38, 1-based): chr12:76,346,969, A>T on the plus strand (T>A on the coding strand, the complement: BBS10 is on the minus strand). VCF-style: chr12-76346969-A-T. GRCh37 (hg19) VCF-style: chr12-76740749-A-T.
Other names: short protein forms V339D.
Identifiers: ClinVar variation 865750 (VCV000865750.2), dbSNP rs1363498219, ClinGen allele CA385813134.
Genomic context (GRCh38, chr12:76,346,969, plus strand): 5'-TGCGAAAAGGCCTGTGGTGGTACAAATGGAGAAAGACCAATGATCCTCCGGATAAGAGAA[A>T]CTTCTTCTGATGATAAACACTCAACCACTGATATGCCATTCACCCCTGCATAATAACTAA-3'
Protein context (NP_078961.3, residues 329-349): SVVECLSSEE[Val339Asp]SLIRRIIGLS